The following is an entry in ClinVar:

ClinVar aggregate classification (germline): Benign (1 of 4 stars; one submission).

Conditions:
Familial cancer of breast. Also called: hereditary breast carcinoma; Hereditary breast cancer; BREAST CANCER, FAMILIAL. Identifiers: Orphanet 227535, MedGen C0346153, MONDO:0016419, OMIM 114480. Disease mechanism: loss of function.

Submission:

Myriad Genetics, Inc.
Classification: Benign for Familial cancer of breast. Last evaluated: 2024-08-27. Review status: criteria provided, single submitter. Criteria: Myriad Autosomal Dominant, Autosomal Recessive and X-Linked Classification Criteria (2023). Collection method: clinical testing. Allele origin: unknown.
Comment: This variant is considered benign. This variant is a silent/synonymous amino acid change and it is not expected to impact splicing.

NM_032043.3(BRIP1):c.1449C>A (p.Thr483=)

Gene: BRIP1 (BRCA1 interacting DNA helicase 1; minus strand). Cytogenetic location: 17q23.2.
Variant type: single nucleotide variant.
Coding change: c.1449C>A on transcript NM_032043.3 (MANE Select); coding-DNA position 1449, C replaced by A.
Protein change: p.Thr483=; no amino-acid change (threonine 483 retained).
Molecular consequence: synonymous variant.
Genome position (GRCh38, 1-based): chr17:61,793,621, G>T on the plus strand (C>A on the coding strand, the complement: BRIP1 is on the minus strand). VCF-style: chr17-61793621-G-T. GRCh37 (hg19) VCF-style: chr17-59870982-G-T.
Identifiers: ClinVar variation 3378882 (VCV003378882.1).